The following is an entry in ClinVar:

ClinVar aggregate classification (germline): Pathogenic (1 of 4 stars; one submission).

Conditions:
Ehlers-Danlos syndrome due to tenascin-X deficiency (EDSCLL1). Also called: EDS DUE TO TNX DEFICIENCY; TNX DEFICIENCY; Ehlers-Danlos syndrome, classic-like, 1; EHLERS-DANLOS SYNDROME, CLASSIC-LIKE; TNXB-Related Classical-Like Ehlers-Danlos Syndrome. Identifiers: Orphanet 230839, MedGen C1848029, MONDO:0011670, OMIM 606408.

Submission:

Myriad Genetics, Inc.
Classification: Pathogenic for Ehlers-Danlos syndrome due to tenascin-X deficiency. Last evaluated: 2025-08-13. Review status: criteria provided, single submitter. Criteria: Myriad Autosomal Dominant, Autosomal Recessive and X-Linked Classification Criteria (2023). Collection method: clinical testing. Allele origin: unknown.
Comment: NM_019105.6(TNXB):c.3321delC(V1108Wfs*60) is expected to be pathogenic in the context of classical-like Ehlers-Danlos syndrome, TNXB-related. This variant is predicted to lead to an abnormal or absent protein product due to the creation of a premature termination codon in TNXB, a gene where loss-of-function variants are known to be pathogenic. Please note: this variant was assessed in the context of healthy population screening.

NM_001365276.2(TNXB):c.3321del (p.Val1108fs)

Gene: TNXB (tenascin XB; minus strand). Cytogenetic location: 6p21.33.
Variant type: Deletion.
Coding change: c.3321del on transcript NM_001365276.2 (MANE Select); coding-DNA position 3321, one base deleted (C; older notation c.3321delC).
Protein change: p.Val1108fs; shifts the reading frame from valine 1108.
Molecular consequence: frameshift variant.
Genome position (GRCh38, 1-based): chr6:32,084,537, G deleted on the plus strand (C on the coding strand, the reverse complement: TNXB is on the minus strand); the first of 3 consecutive G bases (chr6:32,084,537-32,084,539); deleting any one gives the same sequence. VCF-style (leftmost placement, unchanged base first): chr6-32084536-CG-C. GRCh37 (hg19) VCF-style: chr6-32052313-CG-C.
Other names: c.4062del, p.Val1355fs (NM_001428335.1); c.3321del, p.Val1108fs (NM_019105.8); short protein forms V1108fs, V1355fs.
Identifiers: ClinVar variation 5014864 (VCV005014864.1).
Genomic context (GRCh38, chr6:32,084,536, plus strand): 5'-ATTTGTACTTGCGGCCAGGATCCAGGGAGGTGATGACGGCCGAGCGCTGGGGTCCTTCCA[CG>C]GGCACCACCTGGGGCTGCCCGTCCCTGTCTTTGTACTGGATCACGAAGGAGTCAAACTCG-3'